The following is an entry in ClinVar:

NM_177438.3(DICER1):c.1286A>G (p.Lys429Arg)

Gene: DICER1 (dicer 1, ribonuclease III; minus strand). Cytogenetic location: 14q32.13.
Variant type: single nucleotide variant.
Coding change: c.1286A>G on transcript NM_177438.3 (MANE Select); coding-DNA position 1286, A replaced by G.
Protein change: p.Lys429Arg; replaces lysine 429 with arginine.
Molecular consequence: missense variant.
Genome position (GRCh38, 1-based): chr14:95,124,286, T>C on the plus strand (A>G on the coding strand, the complement: DICER1 is on the minus strand). VCF-style: chr14-95124286-T-C. GRCh37 (hg19) VCF-style: chr14-95590623-T-C.
Other names: c.1286A>G, p.Lys429Arg (NM_001195573.1, NM_001271282.3, NM_001291628.2 and 1 more transcripts); short protein forms K429R.
Identifiers: ClinVar variation 1398781 (VCV001398781.12), dbSNP rs1325355975, ClinGen allele CA390886320.

ClinVar aggregate classification (germline): Conflicting classifications of pathogenicity. Review status: criteria provided, conflicting classifications (1 of 4 stars). 2 submissions from 2 submitters: Uncertain significance (1); Likely benign (1). Last evaluated 2025-03-17.

Conditions:
Hereditary cancer-predisposing syndrome. Also called: Neoplastic Syndromes, Hereditary; Hereditary neoplastic syndrome; Hereditary Cancer Syndrome; Tumor predisposition. Identifiers: Orphanet 140162, MedGen C0027672, MeSH D009386, MONDO:0015356.
DICER1-related tumor predisposition. Also called: DICER1 syndrome; DICER1-related pleuropulmonary blastoma cancer predisposition syndrome. Identifiers: Orphanet 284343, MedGen C3839822, MONDO:0100216.

Submissions (2):

Ambry Genetics
Classification: Likely benign for Hereditary cancer-predisposing syndrome. Last evaluated: 2025-03-17. Review status: criteria provided, single submitter. Criteria: Ambry Variant Classification Scheme 2023. Collection method: clinical testing. Allele origin: germline.

Labcorp Genetics (formerly Invitae), Labcorp
Classification: Uncertain significance for DICER1-related tumor predisposition. Last evaluated: 2023-10-07. Review status: criteria provided, single submitter. Criteria: Invitae Variant Classification Sherloc (09022015). Collection method: clinical testing. Allele origin: germline.
Comment: This sequence change replaces lysine, which is basic and polar, with arginine, which is basic and polar, at codon 429 of the DICER1 protein (p.Lys429Arg). This variant is not present in population databases (gnomAD no frequency). This variant has not been reported in the literature in individuals affected with DICER1-related conditions. ClinVar contains an entry for this variant (Variation ID: 1398781). An algorithm developed to predict the effect of missense changes on protein structure and function (PolyPhen-2) suggests that this variant is likely to be tolerated. In summary, the available evidence is currently insufficient to determine the role of this variant in disease. Therefore, it has been classified as a Variant of Uncertain Significance.